The following is an entry in ClinVar:

ClinVar aggregate classification (germline): Uncertain significance (1 of 4 stars; one submission).

Conditions:
Hypertrophic cardiomyopathy 26. Also called: Cardiomyopathy, familial hypertrophic, 26. Identifiers: Orphanet 75249, MedGen C4310749, MONDO:0014883, OMIM 617047.
Myofibrillar myopathy 5. Also called: Filaminopathy (type); FILAMINOPATHY, AUTOSOMAL DOMINANT. Identifiers: Orphanet 171445, MedGen C1836050, MONDO:0012289, OMIM 609524.
Distal myopathy with posterior leg and anterior hand involvement. Also called: WILLIAMS DISTAL MYOPATHY. Identifiers: Orphanet 63273, MedGen C3279722, MONDO:0013550, OMIM 614065.

Submission:

Labcorp Genetics (formerly Invitae), Labcorp
Classification: Uncertain significance for Distal myopathy with posterior leg and anterior hand involvement; Myofibrillar myopathy 5; Hypertrophic cardiomyopathy 26. Last evaluated: 2023-09-01. Review status: criteria provided, single submitter. Criteria: Invitae Variant Classification Sherloc (09022015). Collection method: clinical testing. Allele origin: germline.
Comment: In summary, the available evidence is currently insufficient to determine the role of this variant in disease. Therefore, it has been classified as a Variant of Uncertain Significance. This sequence change replaces phenylalanine, which is neutral and non-polar, with isoleucine, which is neutral and non-polar, at codon 2468 of the FLNC protein (p.Phe2468Ile). This variant is not present in population databases (gnomAD no frequency). This variant has not been reported in the literature in individuals affected with FLNC-related conditions. Advanced modeling of protein sequence and biophysical properties (such as structural, functional, and spatial information, amino acid conservation, physicochemical variation, residue mobility, and thermodynamic stability) performed at Invitae indicates that this missense variant is not expected to disrupt FLNC protein function.

NM_001458.5(FLNC):c.7402T>A (p.Phe2468Ile)

Genes: FLNC (filamin C; plus strand), FLNC-AS1 (FLNC antisense RNA 1; minus strand). Cytogenetic location: 7q32.1.
Variant type: single nucleotide variant.
Coding change: c.7402T>A on transcript NM_001458.5 (MANE Select); coding-DNA position 7402, T replaced by A.
Protein change: p.Phe2468Ile; replaces phenylalanine 2468 with isoleucine.
Molecular consequence: missense variant.
Genome position (GRCh38, 1-based): chr7:128,856,762, T>A. VCF-style: chr7-128856762-T-A. GRCh37 (hg19) VCF-style: chr7-128496816-T-A.
Other names: c.7303T>A, p.Phe2435Ile (NM_001127487.2); short protein forms F2468I, F2435I.
Identifiers: ClinVar variation 2947377 (VCV002947377.3), dbSNP rs2536670198, ClinGen allele CA369217238.
Genomic context (GRCh38, chr7:128,856,762, plus strand): 5'-GAGGGGAAGGATGGAGGCTAAGCCACCAACCCTTTATCCACAGACAAGCACACCATCCGC[T>A]TCATCCCCCACGAGAATGGCGTCCACTCCATCGATGTCAAGTTCAACGGTGCCCACATCC-3'
Protein context (NP_001449.3, residues 2458-2478): ELDSDKHTIR[Phe2468Ile]IPHENGVHSI